The following is an entry in ClinVar:

NM_001322934.2(NFKB2):c.344C>T (p.Ser115Leu)

Gene: NFKB2 (nuclear factor kappa B subunit 2; plus strand). Cytogenetic location: 10q24.32.
Variant type: single nucleotide variant.
Coding change: c.344C>T on transcript NM_001322934.2 (MANE Select); coding-DNA position 344, C replaced by T.
Protein change: p.Ser115Leu; replaces serine 115 with leucine.
Molecular consequence: missense variant.
Genome position (GRCh38, 1-based): chr10:102,397,004, C>T. VCF-style: chr10-102397004-C-T. GRCh37 (hg19) VCF-style: chr10-104156761-C-T.
Other names: c.344C>T, p.Ser115Leu (NM_001077493.1, NM_001077494.3, NM_001261403.3 and 3 more transcripts); short protein forms S115L.
Identifiers: ClinVar variation 2899470 (VCV002899470.3), dbSNP rs758763622, ClinGen allele CA5664507.

ClinVar aggregate classification (germline): Uncertain significance (1 of 4 stars; one submission).

Conditions:
Immunodeficiency, common variable, 10. Also called: IMMUNODEFICIENCY, COMMON VARIABLE, WITH CENTRAL ADRENAL INSUFFICIENCY; DEFICIT IN ANTERIOR PITUITARY FUNCTION AND VARIABLE IMMUNODEFICIENCY. Identifiers: MedGen C3809991, MONDO:0014260, OMIM 615577.

Allele frequency attached by ClinVar (database versions not stated): gnomAD 0.00001; ExAC 0.00001; TOPMed 0.00002.

Submission:

Labcorp Genetics (formerly Invitae), Labcorp
Classification: Uncertain significance for Immunodeficiency, common variable, 10. Last evaluated: 2025-02-17. Review status: criteria provided, single submitter. Criteria: Invitae Variant Classification Sherloc (09022015). Collection method: clinical testing. Allele origin: germline.
Comment: This sequence change replaces serine, which is neutral and polar, with leucine, which is neutral and non-polar, at codon 115 of the NFKB2 protein (p.Ser115Leu). This variant is present in population databases (rs758763622, gnomAD 0.002%). This variant has not been reported in the literature in individuals affected with NFKB2-related conditions. ClinVar contains an entry for this variant (Variation ID: 2899470). An algorithm developed to predict the effect of missense changes on protein structure and function (PolyPhen-2) suggests that this variant is likely to be tolerated. In summary, the available evidence is currently insufficient to determine the role of this variant in disease. Therefore, it has been classified as a Variant of Uncertain Significance.